The following is an entry in ClinVar:

ClinVar aggregate classification (germline): Uncertain significance (1 of 4 stars; one submission).

Allele frequency attached by ClinVar (database versions not stated): gnomAD exomes below 0.00001; TOPMed 0.00001.
gnomAD v4.1: 2 of 1,596,748 alleles (0.00013%); highest among the groups gnomAD compares: East Asian, 0.0022%; no homozygotes.

Submission:

Labcorp Genetics (formerly Invitae), Labcorp
Classification: Uncertain significance. Last evaluated: 2023-05-05. Review status: criteria provided, single submitter. Criteria: Invitae Variant Classification Sherloc (09022015). Collection method: clinical testing. Allele origin: germline.
Comment: This sequence change replaces isoleucine, which is neutral and non-polar, with threonine, which is neutral and polar, at codon 297 of the CARD8 protein (p.Ile297Thr). In summary, the available evidence is currently insufficient to determine the role of this variant in disease. Therefore, it has been classified as a Variant of Uncertain Significance. An algorithm developed to predict the effect of missense changes on protein structure and function (PolyPhen-2) suggests that this variant is likely to be disruptive. This variant has not been reported in the literature in individuals affected with CARD8-related conditions. This variant is present in population databases (no rsID available, gnomAD 0.006%).

NM_001184900.3(CARD8):c.1040T>C (p.Ile347Thr)

Gene: CARD8 (caspase recruitment domain family member 8; minus strand). Cytogenetic location: 19q13.33.
Variant type: single nucleotide variant.
Coding change: c.1040T>C on transcript NM_001184900.3 (MANE Select); coding-DNA position 1040, T replaced by C.
Protein change: p.Ile347Thr; replaces isoleucine 347 with threonine.
Molecular consequence: missense variant. On other transcripts: non-coding transcript variant (3).
Genome position (GRCh38, 1-based): chr19:48,221,851, A>G on the plus strand (T>C on the coding strand, the complement: CARD8 is on the minus strand). VCF-style: chr19-48221851-A-G. GRCh37 (hg19) VCF-style: chr19-48725108-A-G.
Other names: c.797T>C, p.Ile266Thr (NM_001351790.2); c.725T>C, p.Ile242Thr (NM_001351791.2, NM_001351792.2, NM_001351784.2 and 1 more transcripts); c.722T>C, p.Ile241Thr (NM_001365950.1); c.215T>C, p.Ile72Thr (NM_001426741.1); c.890T>C, p.Ile297Thr (NM_014959.5, NM_001184901.1, NM_001351783.2 and 2 more transcripts); c.1040T>C, p.Ile347Thr (NM_001184902.2, NM_001184903.1, NM_001351782.2); c.704T>C, p.Ile235Thr (NM_001351786.2); short protein forms I241T, I235T, I297T, I347T, I242T, I266T, I72T.
Identifiers: ClinVar variation 2862306 (VCV002862306.3), dbSNP rs1253812222, ClinGen allele CA406665407.